The following is an entry in ClinVar:

NM_021784.5(FOXA2):c.86_87dup (p.Gly30fs)

Gene: FOXA2 (forkhead box A2; minus strand). Cytogenetic location: 20p11.21.
Variant type: Duplication.
Coding change: c.86_87dup on transcript NM_021784.5 (MANE Select); coding-DNA positions 86 to 87, 2 bases duplicated (AG; older notation c.86_87dupAG).
Protein change: p.Gly30fs; shifts the reading frame from glycine 30.
Molecular consequence: frameshift variant.
Genome position (GRCh38, 1-based): chr20:22,584,192-22,584,193, CT duplicated on the plus strand (AG on the coding strand, the reverse complement: FOXA2 is on the minus strand); duplicating any 2 consecutive bases within chr20:22,584,192-22,584,194 gives the same sequence; the c. name uses the placement nearest the transcript's 3' end. VCF-style (leftmost placement, unchanged base first): chr20-22584191-C-CCT. GRCh37 (hg19) VCF-style: chr20-22564829-C-CCT.
Other names: c.68_69dup, p.Gly24fs (NM_153675.3); short protein forms G24fs, G30fs.
Identifiers: ClinVar variation 2443405 (VCV002443405.1), dbSNP rs2514815933, ClinGen allele CA2580098047.

ClinVar aggregate classification (germline): Uncertain significance (1 of 4 stars; one submission).

Submission:

GeneDx
Classification: Uncertain significance. Last evaluated: 2022-08-31. Review status: criteria provided, single submitter. Criteria: GeneDx Variant Classification Process June 2021. Collection method: clinical testing. Allele origin: germline. Affected: yes.
Comment: Not observed at significant frequency in large population cohorts (gnomAD); Frameshift variant predicted to result in protein truncation in a gene or region of a gene for which loss of function is not a well-established mechanism of disease; Has not been previously published as pathogenic or benign to our knowledge